The following is an entry in ClinVar:

ClinVar aggregate classification (germline): Uncertain significance (1 of 4 stars; one submission).

Conditions:
Birt-Hogg-Dube syndrome. Also called: Birt Hogg Dubé syndrome. Identifiers: Orphanet 122, MedGen C0346010, MONDO:0800444.

gnomAD v4.1: 1 of 1,614,168 alleles (0.000062%); highest among the groups gnomAD compares: Non-Finnish European, 0.000085%; no homozygotes.

Submission:

Labcorp Genetics (formerly Invitae), Labcorp
Classification: Uncertain significance for Birt-Hogg-Dube syndrome. Last evaluated: 2023-08-11. Review status: criteria provided, single submitter. Criteria: Invitae Variant Classification Sherloc (09022015). Collection method: clinical testing. Allele origin: germline.
Comment: This sequence change replaces serine, which is neutral and polar, with cysteine, which is neutral and slightly polar, at codon 331 of the FLCN protein (p.Ser331Cys). This variant is not present in population databases (gnomAD no frequency). This variant has not been reported in the literature in individuals affected with FLCN-related conditions. Advanced modeling of protein sequence and biophysical properties (such as structural, functional, and spatial information, amino acid conservation, physicochemical variation, residue mobility, and thermodynamic stability) performed at Invitae indicates that this missense variant is not expected to disrupt FLCN protein function. In summary, the available evidence is currently insufficient to determine the role of this variant in disease. Therefore, it has been classified as a Variant of Uncertain Significance.

NM_144997.7(FLCN):c.992C>G (p.Ser331Cys)

Gene: FLCN (folliculin; minus strand). Cytogenetic location: 17p11.2.
Variant type: single nucleotide variant.
Coding change: c.992C>G on transcript NM_144997.7 (MANE Select); coding-DNA position 992, C replaced by G.
Protein change: p.Ser331Cys; replaces serine 331 with cysteine.
Molecular consequence: missense variant.
Genome position (GRCh38, 1-based): chr17:17,219,089, G>C on the plus strand (C>G on the coding strand, the complement: FLCN is on the minus strand). VCF-style: chr17-17219089-G-C. GRCh37 (hg19) VCF-style: chr17-17122403-G-C.
Other names: c.1046C>G, p.Ser349Cys (NM_001353229.2); c.992C>G, p.Ser331Cys (NM_001353230.2, NM_001353231.2); short protein forms S331C, S349C.
Identifiers: ClinVar variation 2956203 (VCV002956203.3), dbSNP rs202215080, ClinGen allele CA398532853.